The following is an entry in ClinVar:

NM_181426.2(CCDC39):c.63C>A (p.Asn21Lys)

Gene: CCDC39 (coiled-coil domain 39 molecular ruler complex subunit; minus strand). Cytogenetic location: 3q26.33.
Variant type: single nucleotide variant.
Coding change: c.63C>A on transcript NM_181426.2 (MANE Select); coding-DNA position 63, C replaced by A.
Protein change: p.Asn21Lys; replaces asparagine 21 with lysine.
Molecular consequence: missense variant.
Genome position (GRCh38, 1-based): chr3:180,679,318, G>T on the plus strand (C>A on the coding strand, the complement: CCDC39 is on the minus strand). VCF-style: chr3-180679318-G-T. GRCh37 (hg19) VCF-style: chr3-180397106-G-T.
Other names: short protein forms N21K.
Identifiers: ClinVar variation 525274 (VCV000525274.10), dbSNP rs775366536, ClinGen allele CA2716263.

ClinVar aggregate classification (germline): Uncertain significance. Review status: criteria provided, multiple submitters, no conflicts (2 of 4 stars). 2 submissions from 2 submitters: Uncertain significance (2). Last evaluated 2023-07-25.

Conditions:
Primary ciliary dyskinesia. Also called: Ciliary dyskinesia. Identifiers: Orphanet 244, MedGen C0008780, MONDO:0016575, HP:0012265.

Allele frequency attached by ClinVar (database versions not stated): gnomAD below 0.00001 and 0.00001; ExAC 0.00002; gnomAD exomes 0.00005.
gnomAD v4.1: 39 of 1,613,696 alleles (0.0024%); highest among the groups gnomAD compares: South Asian, 0.043%; no homozygotes.

Submissions (2):

Ambry Genetics
Classification: Uncertain significance for Primary ciliary dyskinesia. Last evaluated: 2023-07-25. Review status: criteria provided, single submitter. Criteria: Ambry Variant Classification Scheme 2023. Collection method: clinical testing. Allele origin: germline.

Labcorp Genetics (formerly Invitae), Labcorp
Classification: Uncertain significance for Primary ciliary dyskinesia. Last evaluated: 2022-10-31. Review status: criteria provided, single submitter. Criteria: Invitae Variant Classification Sherloc (09022015). Collection method: clinical testing. Allele origin: germline.
Comment: This sequence change replaces asparagine, which is neutral and polar, with lysine, which is basic and polar, at codon 21 of the CCDC39 protein (p.Asn21Lys). This variant is present in population databases (rs775366536, gnomAD 0.04%). This variant has not been reported in the literature in individuals affected with CCDC39-related conditions. ClinVar contains an entry for this variant (Variation ID: 525274). Algorithms developed to predict the effect of missense changes on protein structure and function (SIFT, PolyPhen-2, Align-GVGD) all suggest that this variant is likely to be disruptive. In summary, the available evidence is currently insufficient to determine the role of this variant in disease. Therefore, it has been classified as a Variant of Uncertain Significance.